The following is an entry in ClinVar:

NM_001355436.2(SPTB):c.1774del (p.Thr591_Leu592insTer)

Gene: SPTB (spectrin beta, erythrocytic; minus strand). Cytogenetic location: 14q23.3.
Variant type: Deletion.
Coding change: c.1774del on transcript NM_001355436.2 (MANE Select); coding-DNA position 1774, one base deleted (C; older notation c.1774delC).
Protein change: p.Thr591_Leu592insTer.
Molecular consequence: nonsense.
Genome position (GRCh38, 1-based): chr14:64,794,488, G deleted on the plus strand (C on the coding strand, the reverse complement: SPTB is on the minus strand); the first of 3 consecutive G bases (chr14:64,794,488-64,794,490); deleting any one gives the same sequence. VCF-style (leftmost placement, unchanged base first): chr14-64794487-AG-A. GRCh37 (hg19) VCF-style: chr14-65261205-AG-A.
Other names: p.Leu592*; c.1774del, p.Thr591_Leu592insTer (NM_001024858.4, NM_001355437.2).
Identifiers: ClinVar variation 3381117 (VCV003381117.1).
Genomic context (GRCh38, chr14:64,794,487, plus strand): 5'-GCATTGGAAGCCTCAAAAGGGGAGACAGACTTGGTCTCACCTTTCCCCTCGGTGAACTTC[AG>A]GGTGGCTGCGGTGATGGCCTTCACTTTGTCCCCTTGGATGGCGATGTCAGCTTCCATCAA-3'

ClinVar aggregate classification (germline): Likely pathogenic (1 of 4 stars; one submission).

Submission:

Mayo Clinic Laboratories, Mayo Clinic
Classification: Likely pathogenic. Last evaluated: 2024-06-05. Review status: criteria provided, single submitter. Criteria: ACMG Guidelines, 2015. Collection method: clinical testing. Allele origin: germline. Observed: 1 variant allele.
Comment: PM2_moderate, PVS1